The following is an entry in ClinVar:

ClinVar aggregate classification (germline): Uncertain significance (1 of 4 stars; one submission).

gnomAD v4.1: 1 of 1,605,946 alleles (0.000062%); highest among the groups gnomAD compares: Non-Finnish European, 0.000085%; no homozygotes.

Submission:

Labcorp Genetics (formerly Invitae), Labcorp
Classification: Uncertain significance. Last evaluated: 2025-05-05. Review status: criteria provided, single submitter. Criteria: Invitae Variant Classification Sherloc (09022015). Collection method: clinical testing. Allele origin: germline.
Comment: This sequence change falls in intron 4 of the NTHL1 gene. It does not directly change the encoded amino acid sequence of the NTHL1 protein. It affects a nucleotide within the consensus splice site. This variant is not present in population databases (gnomAD no frequency). This variant has not been reported in the literature in individuals affected with NTHL1-related conditions. ClinVar contains an entry for this variant (Variation ID: 664088). Variants that disrupt the consensus splice site are a relatively common cause of aberrant splicing (PMID: 17576681, 9536098). RNA analysis performed to evaluate the impact of this variant on mRNA splicing indicates it does not significantly alter splicing (internal data). In summary, the available evidence is currently insufficient to determine the role of this variant in disease. Therefore, it has been classified as a Variant of Uncertain Significance.

Literature cited by the submitters: PubMed 17576681; PubMed 9536098.

NM_002528.7(NTHL1):c.685+5G>C

Gene: NTHL1 (nth like DNA glycosylase 1; minus strand). Cytogenetic location: 16p13.3.
Variant type: single nucleotide variant.
Coding change: c.685+5G>C on transcript NM_002528.7 (MANE Select); 5 bases into the intron after coding-DNA position 685, G replaced by C.
Molecular consequence: intron variant.
Genome position (GRCh38, 1-based): chr16:2,043,562, C>G on the plus strand (G>C on the coding strand, the complement: NTHL1 is on the minus strand). VCF-style: chr16-2043562-C-G. GRCh37 (hg19) VCF-style: chr16-2093563-C-G.
Other names: c.685+5G>C (LRG_1366t1); c.355+5G>C (NM_001318194.2); c.514+5G>C (NM_001318193.2).
Identifiers: ClinVar variation 664088 (VCV000664088.6), dbSNP rs953483709, ClinGen allele CA915946192.
Genomic context (GRCh38, chr16:2,043,562, plus strand): 5'-CAAGGATGTGGGGAATCCCAAGAGCAGCCAGTGGGCTGGAGCCAGCCCCGCCCTCCTCTA[C>G]TCACCAATGCCTGACACAGTGCCCCAGGCCACAGCCATAGCCAGGTGTGCCATCTTGGGC-3'